The following is an entry in ClinVar:

ClinVar aggregate classification (germline): Likely benign (0 of 4 stars; one submission).

Conditions:
NBAS-related disorder. Also called: NBAS-related condition.

Allele frequency attached by ClinVar (database versions not stated): gnomAD exomes below 0.00001.
gnomAD v4.1: 5 of 1,613,700 alleles (0.00031%); highest among the groups gnomAD compares: Non-Finnish European, 0.00042%; no homozygotes.

Submission:

PreventionGenetics, part of Exact Sciences
Classification: Likely benign for NBAS-related condition. Last evaluated: 2023-04-17. Review status: no assertion criteria provided. Collection method: clinical testing. Allele origin: germline.
Comment: This variant is classified as likely benign based on ACMG/AMP sequence variant interpretation guidelines (Richards et al. 2015 PMID: 25741868, with internal and published modifications).

NM_015909.4(NBAS):c.4566A>G (p.Val1522=)

Gene: NBAS (NBAS subunit of NRZ tethering complex; minus strand). Cytogenetic location: 2p24.3.
Variant type: single nucleotide variant.
Coding change: c.4566A>G on transcript NM_015909.4 (MANE Select); coding-DNA position 4566, A replaced by G.
Protein change: p.Val1522=; no amino-acid change (valine 1522 retained).
Molecular consequence: synonymous variant. On other transcripts: non-coding transcript variant (1).
Genome position (GRCh38, 1-based): chr2:15,327,766, T>C on the plus strand (A>G on the coding strand, the complement: NBAS is on the minus strand). VCF-style: chr2-15327766-T-C. GRCh37 (hg19) VCF-style: chr2-15467890-T-C.
Identifiers: ClinVar variation 3051608 (VCV003051608.2), dbSNP rs2528402709, ClinGen allele CA424871053.